The following is an entry in ClinVar:

NC_000009.11:g.(?_97863983)_(98270649_?)dup

Genes: PTCH1 (patched 1; minus strand), AOPEP (aminopeptidase O (putative); plus strand), FANCC (FA complementation group C; minus strand), LOC130002131 (ATAC-STARR-seq lymphoblastoid silent region 20068; plus strand), LOC130002132 (ATAC-STARR-seq lymphoblastoid silent region 20069; plus strand) and 18 more. Cytogenetic location: 9q22.32.
Variant type: Duplication.
Identifiers: ClinVar variation 583893 (VCV000583893.2).

ClinVar aggregate classification (germline): Uncertain significance (1 of 4 stars; one submission).

Conditions:
Fanconi anemia (FA). Also called: Fanconi's anemia. Identifiers: Orphanet 84, MedGen C0015625, MeSH D005199, MONDO:0019391.

Submission:

Labcorp Genetics (formerly Invitae), Labcorp
Classification: Uncertain significance for Fanconi anemia. Last evaluated: 2018-03-05. Review status: criteria provided, single submitter. Criteria: Invitae Variant Classification Sherloc (09022015). Collection method: clinical testing. Allele origin: germline.
Comment: A gross duplication of the genomic region encompassing the full coding sequence of the FANCC gene has been identified. The boundaries of this event are unknown as the duplication extends beyond the assayed region for this gene and therefore may encompass additional genes. As the precise location of this duplication is unknown, it may be in tandem or it may be located elsewhere in the genome. This variant has not been reported in the literature in individuals with FANCC-related disease. In summary, the available evidence is currently insufficient to determine the role of this variant in disease. Therefore, it has been classified as a Variant of Uncertain Significance.